The following is an entry in ClinVar:

NM_005762.3(TRIM28):c.39C>T (p.Ala13=)

Genes: TRIM28 (tripartite motif containing 28; plus strand), LOC130065239 (ATAC-STARR-seq lymphoblastoid silent region 11093; plus strand). Cytogenetic location: 19q13.43.
Variant type: single nucleotide variant.
Coding change: c.39C>T on transcript NM_005762.3 (MANE Select); coding-DNA position 39, C replaced by T.
Protein change: p.Ala13=; no amino-acid change (alanine 13 retained).
Molecular consequence: synonymous variant.
Genome position (GRCh38, 1-based): chr19:58,544,796, C>T. VCF-style: chr19-58544796-C-T. GRCh37 (hg19) VCF-style: chr19-59056163-C-T.
Identifiers: ClinVar variation 3630970 (VCV003630970.10).
Genomic context (GRCh38, chr19:58,544,796, plus strand): 5'-GGGCGCCCCCGGCGGCGTGTGAATGGCGGCCTCCGCGGCGGCAGCCTCGGCAGCAGCGGC[C>T]TCGGCCGCCTCTGGCAGCCCGGGCCCGGGCGAGGGCTCCGCTGGCGGCGAAAAGCGCTCC-3'
Protein context (NP_005753.1, residues 3-23): ASAAAASAAA[Ala13=]SAASGSPGPG

ClinVar aggregate classification (germline): Likely benign. Review status: criteria provided, multiple submitters, no conflicts (2 of 4 stars). 2 submissions from 2 submitters: Likely benign (2). Last evaluated 2025-07-29.

Submissions (2):

Labcorp Genetics (formerly Invitae), Labcorp
Classification: Likely benign. Last evaluated: 2025-07-29. Review status: criteria provided, single submitter. Criteria: Invitae Variant Classification Sherloc (09022015). Collection method: clinical testing. Allele origin: germline.

CeGaT Center for Human Genetics Tuebingen
Classification: Likely benign. Last evaluated: 2025-06-01. Review status: criteria provided, single submitter. Criteria: CeGaT Center For Human Genetics Tuebingen Variant Classification Criteria Version 2. Collection method: clinical testing. Allele origin: germline. Affected: yes. Observed: 1 variant allele.
Comment: TRIM28: BP4, BP7